The following is an entry in ClinVar:

NM_144997.7(FLCN):c.328C>T (p.Gln110Ter)

Gene: FLCN (folliculin; minus strand). Cytogenetic location: 17p11.2.
Variant type: single nucleotide variant.
Coding change: c.328C>T on transcript NM_144997.7 (MANE Select); coding-DNA position 328, C replaced by T.
Protein change: p.Gln110Ter; replaces glutamine 110 with a stop codon.
Molecular consequence: nonsense.
Genome position (GRCh38, 1-based): chr17:17,226,244, G>A on the plus strand (C>T on the coding strand, the complement: FLCN is on the minus strand). VCF-style: chr17-17226244-G-A. GRCh37 (hg19) VCF-style: chr17-17129558-G-A.
Other names: c.328C>T, p.Gln110Ter (NM_001353229.2, NM_001353230.2, NM_001353231.2 and 1 more transcripts); short protein forms Q110*.
Identifiers: ClinVar variation 2578486 (VCV002578486.2), dbSNP rs2145011802, ClinGen allele CA398534827.

ClinVar aggregate classification (germline): Pathogenic. Review status: criteria provided, single submitter (1 of 4 stars). 2 submissions from 2 submitters: Pathogenic (1). 1 of the submissions does not count toward it. Last evaluated 2024-08-13.

Conditions:
Hereditary cancer-predisposing syndrome. Also called: Neoplastic Syndromes, Hereditary; Hereditary Cancer Syndrome; Tumor predisposition; Hereditary neoplastic syndrome. Identifiers: Orphanet 140162, MedGen C0027672, MeSH D009386, MONDO:0015356.
Birt-Hogg-Dube syndrome. Also called: Birt Hogg Dubé syndrome. Identifiers: Orphanet 122, MedGen C0346010, MONDO:0800444.

Submissions (2):

Ambry Genetics
Classification: Pathogenic for Hereditary cancer-predisposing syndrome. Last evaluated: 2024-08-13. Review status: criteria provided, single submitter. Criteria: Ambry Variant Classification Scheme 2023. Collection method: clinical testing. Allele origin: germline.
Comment: The p.Q110* pathogenic mutation (also known as c.328C>T), located in coding exon 2 of the FLCN gene, results from a C to T substitution at nucleotide position 328. This changes the amino acid from a glutamine to a stop codon within coding exon 2. This variant was reported in an individual with features consistent with Birt-Hogg-Dube syndrome (Namba Y et al. PLoS One, 2023 Jul;18:e0289175; (Hou X et al. BMC Med Genet, 2018 Jan;19:14; Kumasaka T et al. Histopathology, 2014 Jul;65:100-10); Kunogi M et al. J Med Genet, 2010 Apr;47:281-7). This variant is considered to be rare based on population cohorts in the Genome Aggregation Database (gnomAD). In addition to the clinical data presented in the literature, this alteration is expected to result in loss of function by premature protein truncation or nonsense-mediated mRNA decay. As such, this alteration is interpreted as a disease-causing mutation.

Division of Respiratory Medicine of Juntendo University, Juntendo University Faculty of Medicine and Graduate School of Medicine
Classification: Pathogenic for Birt-Hogg-Dube syndrome 1. Last evaluated: 2023-07-01. Review status: no assertion criteria provided. Collection method: clinical testing. Allele origin: germline. Affected: yes. Not counted in ClinVar's aggregate classification.

Literature cited by the submitters: PubMed 20413710 (cited by Ambry Genetics); PubMed 24393238 (cited by Ambry Genetics); PubMed 29357828 (cited by Ambry Genetics); PubMed 37490463 (cited by Ambry Genetics).